The following is an entry in ClinVar:

NM_003072.5(SMARCA4):c.631C>G (p.Pro211Ala)

Gene: SMARCA4 (SWI/SNF related BAF chromatin remodeling complex subunit ATPase 4; plus strand). Cytogenetic location: 19p13.2.
Variant type: single nucleotide variant.
Coding change: c.631C>G on transcript NM_003072.5 (MANE Select); coding-DNA position 631, C replaced by G.
Protein change: p.Pro211Ala; replaces proline 211 with alanine.
Molecular consequence: missense variant. On other transcripts: non-coding transcript variant (1).
Genome position (GRCh38, 1-based): chr19:10,986,464, C>G. VCF-style: chr19-10986464-C-G. GRCh37 (hg19) VCF-style: chr19-11097140-C-G.
Other names: c.631C>G, p.Pro211Ala (NM_001128844.3, NM_001128845.2, NM_001128846.2 and 5 more transcripts); short protein forms P211A.
Identifiers: ClinVar variation 1423098 (VCV001423098.8), dbSNP rs2145781120, ClinGen allele CA404056690.
Genomic context (GRCh38, chr19:10,986,464, plus strand): 5'-GCCAGGGGGCAGCCCCTCCCCGACCACCTGCAGATGGCGGTGCAGGGCAAGCGGCCGATG[C>G]CCGGGATGCAGCAGCAGATGCCAACGCTACCTCCACCCTCGGTGTCCGCAACAGGACCCG-3'
Protein context (NP_003063.2, residues 201-221): QMAVQGKRPM[Pro211Ala]GMQQQMPTLP

ClinVar aggregate classification (germline): Uncertain significance (1 of 4 stars; one submission).

Conditions:
Rhabdoid tumor predisposition syndrome 2 (RTPS2). Identifiers: Orphanet 231108, Orphanet 69077, MedGen C2750074, MONDO:0013224, OMIM 613325.

gnomAD v4.1: 4 of 1,556,890 alleles (0.00026%); highest among the groups gnomAD compares: African/African-American, 0.0014%; no homozygotes.

Submission:

Labcorp Genetics (formerly Invitae), Labcorp
Classification: Uncertain significance for Rhabdoid tumor predisposition syndrome 2. Last evaluated: 2024-05-14. Review status: criteria provided, single submitter. Criteria: Invitae Variant Classification Sherloc (09022015). Collection method: clinical testing. Allele origin: germline.
Comment: This sequence change replaces proline, which is neutral and non-polar, with alanine, which is neutral and non-polar, at codon 211 of the SMARCA4 protein (p.Pro211Ala). This variant is not present in population databases (gnomAD no frequency). This variant has not been reported in the literature in individuals affected with SMARCA4-related conditions. ClinVar contains an entry for this variant (Variation ID: 1423098). Advanced modeling of protein sequence and biophysical properties (such as structural, functional, and spatial information, amino acid conservation, physicochemical variation, residue mobility, and thermodynamic stability) has been performed at Invitae for this missense variant, however the output from this modeling did not meet the statistical confidence thresholds required to predict the impact of this variant on SMARCA4 protein function. In summary, the available evidence is currently insufficient to determine the role of this variant in disease. Therefore, it has been classified as a Variant of Uncertain Significance.